The following is an entry in ClinVar:

ClinVar aggregate classification (germline): Pathogenic (1 of 4 stars; one submission).

Conditions:
Fanconi anemia (FA). Also called: Fanconi's anemia. Identifiers: Orphanet 84, MedGen C0015625, MeSH D005199, MONDO:0019391.

Submission:

Labcorp Genetics (formerly Invitae), Labcorp
Classification: Pathogenic for Fanconi anemia. Last evaluated: 2024-01-07. Review status: criteria provided, single submitter. Criteria: Invitae Variant Classification Sherloc (09022015). Collection method: clinical testing. Allele origin: germline.
Comment: This sequence change creates a premature translational stop signal (p.Gln410*) in the FANCC gene. It is expected to result in an absent or disrupted protein product. Loss-of-function variants in FANCC are known to be pathogenic (PMID: 17924555). This variant is not present in population databases (gnomAD no frequency). This variant has not been reported in the literature in individuals affected with FANCC-related conditions. For these reasons, this variant has been classified as Pathogenic.

Literature cited by the submitters: PubMed 17924555.

NM_000136.3(FANCC):c.1228C>T (p.Gln410Ter)

Genes: AOPEP (aminopeptidase O (putative); plus strand), FANCC (FA complementation group C; minus strand). Cytogenetic location: 9q22.32.
Variant type: single nucleotide variant.
Coding change: c.1228C>T on transcript NM_000136.3 (MANE Select); coding-DNA position 1228, C replaced by T.
Protein change: p.Gln410Ter; replaces glutamine 410 with a stop codon.
Molecular consequence: nonsense.
Genome position (GRCh38, 1-based): chr9:95,111,564, G>A on the plus strand (C>T on the coding strand, the complement: FANCC is on the minus strand). VCF-style: chr9-95111564-G-A. GRCh37 (hg19) VCF-style: chr9-97873846-G-A.
Other names: c.1228C>T, p.Gln410Ter (NM_001243743.2, NM_001243744.2); short protein forms Q410*.
Identifiers: ClinVar variation 3018787 (VCV003018787.3), dbSNP rs2134549944, ClinGen allele CA374107422.
Genomic context (GRCh38, chr9:95,111,564, plus strand): 5'-AGTAGAAGGCCAAGAGCCACAGCAGGGCCGTGGGGGGTTCGGCTGCCGACATCAGTAATT[G>A]CTCTGCCACCATCTCAGCCCATCCTCCGAAGTGAATGAACAGGAACCAGCTCTCAAAGGG-3'